The following is an entry in ClinVar:

ClinVar aggregate classification (germline): Uncertain significance (1 of 4 stars; one submission).

Allele frequency attached by ClinVar (database versions not stated): gnomAD exomes below 0.00001; TOPMed below 0.00001.
gnomAD v4.1: 1 of 1,614,154 alleles (0.000062%); highest among the groups gnomAD compares: Non-Finnish European, 0.000085%; no homozygotes.

Submission:

Labcorp Genetics (formerly Invitae), Labcorp
Classification: Uncertain significance. Last evaluated: 2022-08-21. Review status: criteria provided, single submitter. Criteria: Invitae Variant Classification Sherloc (09022015). Collection method: clinical testing. Allele origin: germline.
Comment: In summary, the available evidence is currently insufficient to determine the role of this variant in disease. Therefore, it has been classified as a Variant of Uncertain Significance. Algorithms developed to predict the effect of missense changes on protein structure and function are either unavailable or do not agree on the potential impact of this missense change (SIFT: "Deleterious"; PolyPhen-2: "Benign"; Align-GVGD: "Class C15"). This variant has not been reported in the literature in individuals affected with SLC25A12-related conditions. This variant is not present in population databases (gnomAD no frequency). This sequence change replaces serine, which is neutral and polar, with cysteine, which is neutral and slightly polar, at codon 588 of the SLC25A12 protein (p.Ser588Cys).

NM_003705.5(SLC25A12):c.1763C>G (p.Ser588Cys)

Gene: SLC25A12 (solute carrier family 25 member 12; minus strand). Cytogenetic location: 2q31.1.
Variant type: single nucleotide variant.
Coding change: c.1763C>G on transcript NM_003705.5 (MANE Select); coding-DNA position 1763, C replaced by G.
Protein change: p.Ser588Cys; replaces serine 588 with cysteine.
Molecular consequence: missense variant. On other transcripts: non-coding transcript variant (1).
Genome position (GRCh38, 1-based): chr2:171,787,643, G>C on the plus strand (C>G on the coding strand, the complement: SLC25A12 is on the minus strand). VCF-style: chr2-171787643-G-C. GRCh37 (hg19) VCF-style: chr2-172644153-G-C.
Other names: short protein forms S588C.
Identifiers: ClinVar variation 1715536 (VCV001715536.3), dbSNP rs1690513297, ClinGen allele CA349287616.
Genomic context (GRCh38, chr2:171,787,643, plus strand): 5'-TCAATGTAAAACCACCGCTGGAGAAGTTCATAAGTGACCAAGGTAACACCAAACTGGGGA[G>C]AGGATCGAAACACTCGAGCTGAAAAAGAGAAGCAGGGGCAGGGGAGACTTGAAACCAGGA-3'
Protein context (NP_003696.2, residues 578-598): KGTAARVFRS[Ser588Cys]PQFGVTLVTY